The following is an entry in ClinVar:

NM_001365951.3(KIF1B):c.3359G>A (p.Arg1120Gln)

Gene: KIF1B (kinesin family member 1B; plus strand). Cytogenetic location: 1p36.22.
Variant type: single nucleotide variant.
Coding change: c.3359G>A on transcript NM_001365951.3 (MANE Select); coding-DNA position 3359, G replaced by A.
Protein change: p.Arg1120Gln; replaces arginine 1120 with glutamine.
Molecular consequence: missense variant.
Genome position (GRCh38, 1-based): chr1:10,337,470, G>A. VCF-style: chr1-10337470-G-A. GRCh37 (hg19) VCF-style: chr1-10397528-G-A.
Other names: c.3359G>A, p.Arg1120Gln (NM_001365952.1); c.3221G>A, p.Arg1074Gln (NM_015074.3); short protein forms R1074Q, R1120Q.
Identifiers: ClinVar variation 1729086 (VCV001729086.9), dbSNP rs1652222198, ClinGen allele CA338340593.

ClinVar aggregate classification (germline): Uncertain significance. Review status: criteria provided, multiple submitters, no conflicts (2 of 4 stars). 2 submissions from 2 submitters: Uncertain significance (2). Last evaluated 2025-11-26.

Conditions:
Charcot-Marie-Tooth disease type 2. Also called: Charcot-Marie-Tooth type 2. Identifiers: Orphanet 64746, MedGen C0270914, MONDO:0018993.

Allele frequency attached by ClinVar (database versions not stated): gnomAD exomes below 0.00001.
gnomAD v4.1: 1 of 1,614,114 alleles (0.000062%); highest among the groups gnomAD compares: South Asian, 0.0011%; no homozygotes.

Submissions (2):

Ambry Genetics
Classification: Uncertain significance. Last evaluated: 2025-11-26. Review status: criteria provided, single submitter. Criteria: Ambry Variant Classification Scheme 2023. Collection method: clinical testing. Allele origin: germline.

Labcorp Genetics (formerly Invitae), Labcorp
Classification: Uncertain significance for Charcot-Marie-Tooth disease type 2. Last evaluated: 2023-08-18. Review status: criteria provided, single submitter. Criteria: Invitae Variant Classification Sherloc (09022015). Collection method: clinical testing. Allele origin: germline.
Comment: This variant has not been reported in the literature in individuals affected with KIF1B-related conditions. This variant is not present in population databases (gnomAD no frequency). This sequence change replaces arginine, which is basic and polar, with glutamine, which is neutral and polar, at codon 1074 of the KIF1B protein (p.Arg1074Gln). ClinVar contains an entry for this variant (Variation ID: 1729086). In summary, the available evidence is currently insufficient to determine the role of this variant in disease. Therefore, it has been classified as a Variant of Uncertain Significance. Advanced modeling of protein sequence and biophysical properties (such as structural, functional, and spatial information, amino acid conservation, physicochemical variation, residue mobility, and thermodynamic stability) performed at Invitae indicates that this missense variant is not expected to disrupt KIF1B protein function.